The following is an entry in ClinVar:

NM_152564.5(VPS13B):c.6062A>T (p.Asp2021Val)

Gene: VPS13B (vacuolar protein sorting 13 homolog B; plus strand). Cytogenetic location: 8q22.2.
Variant type: single nucleotide variant.
Coding change: c.6062A>T on transcript NM_152564.5 (MANE Select); coding-DNA position 6062, A replaced by T.
Protein change: p.Asp2021Val; replaces aspartic acid 2021 with valine.
Molecular consequence: missense variant.
Genome position (GRCh38, 1-based): chr8:99,699,540, A>T. VCF-style: chr8-99699540-A-T. GRCh37 (hg19) VCF-style: chr8-100711768-A-T.
Other names: c.6137A>T, p.Asp2046Val (NM_017890.5); short protein forms D2021V, D2046V.
Identifiers: ClinVar variation 3347537 (VCV003347537.1).
Genomic context (GRCh38, chr8:99,699,540, plus strand): 5'-AGTAAGAAAGCTTCAATAATTGTTTTCTCTTTTTTACTTCTATAGCGGATGTCAATTTGG[A>T]TATATCAAAGCCTTTGAAAGCAAACCTGAGTTTCACCAAACTGGATCAGATAAACCTTTT-3'
Protein context (NP_689777.3, residues 2011-2031): FLNGPADVNL[Asp2021Val]ISKPLKANLS

ClinVar aggregate classification (germline): Uncertain significance (0 of 4 stars; one submission).

Conditions:
VPS13B-related disorder. Also called: VPS13B-related condition.

gnomAD v4.1: 7 of 1,613,756 alleles (0.00043%); highest among the groups gnomAD compares: Non-Finnish European, 0.00059%; no homozygotes.

Submission:

PreventionGenetics, part of Exact Sciences
Classification: Uncertain significance for VPS13B-related condition. Last evaluated: 2024-07-11. Review status: no assertion criteria provided. Collection method: clinical testing. Allele origin: germline.
Comment: The VPS13B c.6062A>T variant is predicted to result in the amino acid substitution p.Asp2021Val. To our knowledge, this variant has not been reported in the literature or in a large population database, indicating this variant is rare. At this time, the clinical significance of this variant is uncertain due to the absence of conclusive functional and genetic evidence.